The following is an entry in ClinVar:

NM_007194.4(CHEK2):c.1246A>C (p.Ile416Leu)

Gene: CHEK2 (checkpoint kinase 2; minus strand). Cytogenetic location: 22q12.1.
Variant type: single nucleotide variant.
Coding change: c.1246A>C on transcript NM_007194.4 (MANE Select); coding-DNA position 1246, A replaced by C.
Protein change: p.Ile416Leu; replaces isoleucine 416 with leucine.
Molecular consequence: missense variant.
Genome position (GRCh38, 1-based): chr22:28,695,723, T>G on the plus strand (A>C on the coding strand, the complement: CHEK2 is on the minus strand). VCF-style: chr22-28695723-T-G. GRCh37 (hg19) VCF-style: chr22-29091711-T-G.
Other names: c.1375A>C, p.Ile459Leu (NM_001005735.3); c.583A>C, p.Ile195Leu (NM_001257387.3); c.1045A>C, p.Ile349Leu (NM_001349956.3); c.1159A>C, p.Ile387Leu (NM_145862.3); short protein forms I195L, I387L, I416L, I459L, I349L.
Identifiers: ClinVar variation 2053298 (VCV002053298.5), dbSNP rs1601721850, ClinGen allele CA411096565.

ClinVar aggregate classification (germline): Uncertain significance. Review status: criteria provided, multiple submitters, no conflicts (2 of 4 stars). 2 submissions from 2 submitters: Uncertain significance (2). Last evaluated 2024-01-29.

Conditions:
Hereditary cancer-predisposing syndrome. Also called: Hereditary neoplastic syndrome; Neoplastic Syndromes, Hereditary; Tumor predisposition; Hereditary Cancer Syndrome. Identifiers: Orphanet 140162, MedGen C0027672, MeSH D009386, MONDO:0015356.
Familial cancer of breast. Also called: hereditary breast carcinoma; BREAST CANCER, FAMILIAL; Hereditary breast cancer. Identifiers: Orphanet 227535, MedGen C0346153, MONDO:0016419, OMIM 114480. Disease mechanism: loss of function.

Submissions (2):

Ambry Genetics
Classification: Uncertain significance for Hereditary cancer-predisposing syndrome. Last evaluated: 2024-01-29. Review status: criteria provided, single submitter. Criteria: Ambry Variant Classification Scheme 2023. Collection method: clinical testing. Allele origin: germline.
Comment: The p.I416L variant (also known as c.1246A>C), located in coding exon 10 of the CHEK2 gene, results from an A to C substitution at nucleotide position 1246. The isoleucine at codon 416 is replaced by leucine, an amino acid with highly similar properties. This amino acid position is well conserved in available vertebrate species. In addition, this alteration is predicted to be tolerated by in silico analysis. Based on the available evidence, the clinical significance of this alteration remains unclear.

Labcorp Genetics (formerly Invitae), Labcorp
Classification: Uncertain significance for Familial cancer of breast. Last evaluated: 2022-11-04. Review status: criteria provided, single submitter. Criteria: Invitae Variant Classification Sherloc (09022015). Collection method: clinical testing. Allele origin: germline.
Comment: This sequence change replaces isoleucine, which is neutral and non-polar, with leucine, which is neutral and non-polar, at codon 416 of the CHEK2 protein (p.Ile416Leu). In summary, the available evidence is currently insufficient to determine the role of this variant in disease. Therefore, it has been classified as a Variant of Uncertain Significance. Algorithms developed to predict the effect of missense changes on protein structure and function are either unavailable or do not agree on the potential impact of this missense change (SIFT: "Deleterious"; PolyPhen-2: "Possibly Damaging"; Align-GVGD: "Class C0"). This variant has not been reported in the literature in individuals affected with CHEK2-related conditions. This variant is not present in population databases (gnomAD no frequency).